The following is an entry in ClinVar:

ClinVar aggregate classification (germline): Uncertain significance (1 of 4 stars; one submission).

Allele frequency attached by ClinVar (database versions not stated): gnomAD exomes below 0.00001.
gnomAD v4.1: 1 of 1,598,688 alleles (0.000063%); highest among the groups gnomAD compares: African/African-American, 0.0013%; no homozygotes.

Submission:

Labcorp Genetics (formerly Invitae), Labcorp
Classification: Uncertain significance. Last evaluated: 2024-03-11. Review status: criteria provided, single submitter. Criteria: Invitae Variant Classification Sherloc (09022015). Collection method: clinical testing. Allele origin: germline.
Comment: This sequence change replaces threonine, which is neutral and polar, with isoleucine, which is neutral and non-polar, at codon 1134 of the RUSC2 protein (p.Thr1134Ile). This variant is not present in population databases (gnomAD no frequency). This variant has not been reported in the literature in individuals affected with RUSC2-related conditions. ClinVar contains an entry for this variant (Variation ID: 1937264). An algorithm developed to predict the effect of missense changes on protein structure and function (PolyPhen-2) suggests that this variant is likely to be disruptive. In summary, the available evidence is currently insufficient to determine the role of this variant in disease. Therefore, it has been classified as a Variant of Uncertain Significance.

NM_014806.5(RUSC2):c.3401C>T (p.Thr1134Ile)

Gene: RUSC2 (RUN and SH3 domain containing 2; plus strand). Cytogenetic location: 9p13.3.
Variant type: single nucleotide variant.
Coding change: c.3401C>T on transcript NM_014806.5 (MANE Select); coding-DNA position 3401, C replaced by T.
Protein change: p.Thr1134Ile; replaces threonine 1134 with isoleucine.
Molecular consequence: missense variant. On other transcripts: non-coding transcript variant (1).
Genome position (GRCh38, 1-based): chr9:35,560,041, C>T. VCF-style: chr9-35560041-C-T. GRCh37 (hg19) VCF-style: chr9-35560038-C-T.
Other names: c.3401C>T, p.Thr1134Ile (NM_001135999.2); c.767C>T, p.Thr256Ile (NM_001330740.2); short protein forms T256I, T1134I.
Identifiers: ClinVar variation 1937264 (VCV001937264.5), dbSNP rs2490415009, ClinGen allele CA373352310.